The following is an entry in ClinVar:

NM_001048174.2(MUTYH):c.677G>A (p.Ser226Asn)

Gene: MUTYH (mutY DNA glycosylase; minus strand). Cytogenetic location: 1p34.1.
Variant type: single nucleotide variant.
Coding change: c.677G>A on transcript NM_001048174.2 (MANE Select); coding-DNA position 677, G replaced by A.
Protein change: p.Ser226Asn; replaces serine 226 with asparagine.
Molecular consequence: missense variant. On other transcripts: non-coding transcript variant (7).
Genome position (GRCh38, 1-based): chr1:45,332,418, C>T on the plus strand (G>A on the coding strand, the complement: MUTYH is on the minus strand). VCF-style: chr1-45332418-C-T. GRCh37 (hg19) VCF-style: chr1-45798090-C-T.
Other names: c.761G>A, p.Ser254Asn (NM_001128425.2); c.722G>A, p.Ser241Asn (NM_001293190.2); c.710G>A, p.Ser237Asn (NM_001293191.2, NM_001407069.1, NM_001407077.1); c.401G>A, p.Ser134Asn (NM_001293192.2, NM_001293196.2, NM_001407091.1); c.677G>A, p.Ser226Asn (NM_001293195.2, NM_001407081.1, NM_001407088.1 and 6 more transcripts); c.332G>A, p.Ser111Asn (NM_001350650.2, NM_001350651.2, NM_001407082.1); c.719G>A, p.Ser240Asn (NM_001407083.1, NM_001407085.1); c.680G>A, p.Ser227Asn (NM_001407086.1, NM_001048172.2, NM_001407071.1 and 1 more transcripts); and 5 more; short protein forms S134N, S213N, S227N, S111N, S212N, S233N, S237N, S241N.
Identifiers: ClinVar variation 4113813 (VCV004113813.1).

ClinVar aggregate classification (germline): Uncertain significance (1 of 4 stars; one submission).

Conditions:
Hereditary cancer-predisposing syndrome. Also called: Hereditary neoplastic syndrome; Neoplastic Syndromes, Hereditary; Tumor predisposition; Hereditary Cancer Syndrome. Identifiers: Orphanet 140162, MedGen C0027672, MeSH D009386, MONDO:0015356.

Submission:

Ambry Genetics
Classification: Uncertain significance for Hereditary cancer-predisposing syndrome. Last evaluated: 2025-08-27. Review status: criteria provided, single submitter. Criteria: Ambry Variant Classification Scheme 2023. Collection method: clinical testing. Allele origin: germline.
Comment: The p.S254N variant (also known as c.761G>A), located in coding exon 9 of the MUTYH gene, results from a G to A substitution at nucleotide position 761. The serine at codon 254 is replaced by asparagine, an amino acid with highly similar properties. This amino acid position is conserved. In addition, this alteration is predicted to be tolerated by in silico analysis. Based on the available evidence, the clinical significance of this variant remains unclear.